The following is an entry in ClinVar:

ClinVar aggregate classification (germline): Conflicting classifications of pathogenicity. Review status: criteria provided, conflicting classifications (1 of 4 stars). 3 submissions from 3 submitters: Uncertain significance (2); Likely benign (1). Last evaluated 2026-01-15.

Conditions:
Frontometaphyseal dysplasia (FMD1). Identifiers: Orphanet 1826, MedGen C0265293, MONDO:0015942.
Heterotopia, periventricular, X-linked dominant (PVNH1). Also called: PERIVENTRICULAR NODULAR HETEROTOPIA 1; X-linked periventricular heterotopia; PERIVENTRICULAR NODULAR HETEROTOPIA 4; HETEROTOPIA, PERIVENTRICULAR, 1. Identifiers: Orphanet 2149, Orphanet 82004, MedGen C1848213, MONDO:0010233, OMIM 300049.
Melnick-Needles syndrome (MNS). Also called: MELNICK-NEEDLES OSTEODYSPLASTY; OSTEODYSPLASTY OF MELNICK AND NEEDLES; Melnick-Needles Syndrome (FLNA-MNS). Identifiers: Orphanet 2484, MedGen C0025237, MONDO:0010650, OMIM 309350.
Oto-palato-digital syndrome, type II (OPD2). Also called: OPD II SYNDROME; FACIOPALATOOSSEOUS SYNDROME; Otopalatodigital Syndrome Type 2 (FLNA-OPD2); Otopalatodigital Syndrome, Type II. Identifiers: Orphanet 669, Orphanet 90652, MedGen C1844696, MONDO:0010571, OMIM 304120.

Allele frequency attached by ClinVar (database versions not stated): ExAC 0.00001; gnomAD exomes 0.00002.
gnomAD v4.1: 20 of 1,211,387 alleles (0.0017%); highest among the groups gnomAD compares: Admixed American, 0.0043%; no homozygotes.

Submissions (3):

Labcorp Genetics (formerly Invitae), Labcorp
Classification: Likely benign for Oto-palato-digital syndrome, type II; Heterotopia, periventricular, X-linked dominant; Frontometaphyseal dysplasia; Melnick-Needles syndrome. Last evaluated: 2026-01-15. Review status: criteria provided, single submitter. Criteria: Invitae Variant Classification Sherloc (09022015). Collection method: clinical testing. Allele origin: germline.

Women's Health and Genetics/Laboratory Corporation of America, LabCorp
Classification: Uncertain significance. Last evaluated: 2024-08-27. Review status: criteria provided, single submitter. Criteria: LabCorp Variant Classification Summary - May 2015. Collection method: clinical testing. Allele origin: germline.

GeneDx
Classification: Uncertain significance. Last evaluated: 2023-12-28. Review status: criteria provided, single submitter. Criteria: GeneDx Variant Classification Process June 2021. Collection method: clinical testing. Allele origin: germline. Affected: yes.
Comment: Has not been previously published as pathogenic or benign to our knowledge; Not observed at significant frequency in large population cohorts (gnomAD); In silico analysis supports that this missense variant does not alter protein structure/function

NM_001110556.2(FLNA):c.4595G>A (p.Arg1532Gln)

Gene: FLNA (filamin A; minus strand). Cytogenetic location: Xq28.
Variant type: single nucleotide variant.
Coding change: c.4595G>A on transcript NM_001110556.2 (MANE Select); coding-DNA position 4595, G replaced by A.
Protein change: p.Arg1532Gln; replaces arginine 1532 with glutamine.
Molecular consequence: missense variant.
Genome position (GRCh38, 1-based): chrX:154,358,448, C>T on the plus strand (G>A on the coding strand, the complement: FLNA is on the minus strand). VCF-style: chrX-154358448-C-T. GRCh37 (hg19) VCF-style: chrX-153586816-C-T.
Other names: c.4595G>A, p.Arg1532Gln (NM_001456.4); short protein forms R1532Q.
Identifiers: ClinVar variation 948621 (VCV000948621.13), dbSNP rs782460301, ClinGen allele CA10560504.